The following is an entry in ClinVar:

ClinVar aggregate classification (germline): Uncertain significance (0 of 4 stars; one submission).

Conditions:
VPS13B-related disorder. Also called: VPS13B-related condition.

gnomAD v4.1: 2 of 1,611,770 alleles (0.00012%); highest among the groups gnomAD compares: Admixed American, 0.0033%; no homozygotes.

Submission:

PreventionGenetics, part of Exact Sciences
Classification: Uncertain significance for VPS13B-related condition. Last evaluated: 2024-07-02. Review status: no assertion criteria provided. Collection method: clinical testing. Allele origin: germline.
Comment: The VPS13B c.3638C>T variant is predicted to result in the amino acid substitution p.Ser1213Leu. To our knowledge, this variant has not been reported in the literature. This variant is reported in 0.0057% of alleles in individuals of Latino descent in gnomAD. At this time, the clinical significance of this variant is uncertain due to the absence of conclusive functional and genetic evidence.

NM_152564.5(VPS13B):c.3638C>T (p.Ser1213Leu)

Gene: VPS13B (vacuolar protein sorting 13 homolog B; plus strand). Cytogenetic location: 8q22.2.
Variant type: single nucleotide variant.
Coding change: c.3638C>T on transcript NM_152564.5 (MANE Select); coding-DNA position 3638, C replaced by T.
Protein change: p.Ser1213Leu; replaces serine 1213 with leucine.
Molecular consequence: missense variant.
Genome position (GRCh38, 1-based): chr8:99,467,606, C>T. VCF-style: chr8-99467606-C-T. GRCh37 (hg19) VCF-style: chr8-100479834-C-T.
Other names: c.3638C>T, p.Ser1213Leu (NM_017890.5); short protein forms S1213L.
Identifiers: ClinVar variation 3352598 (VCV003352598.1).